The following is an entry in ClinVar:

NM_004415.4(DSP):c.*39T>C

Gene: DSP (desmoplakin; plus strand). Cytogenetic location: 6p24.3.
Variant type: single nucleotide variant.
Coding change: c.*39T>C on transcript NM_004415.4 (MANE Select); 39 bases downstream of the stop codon, T replaced by C.
Molecular consequence: 3 prime UTR variant.
Genome position (GRCh38, 1-based): chr6:7,585,917, T>C. VCF-style: chr6-7585917-T-C. GRCh37 (hg19) VCF-style: chr6-7586150-T-C.
Other names: c.*39T>C (LRG_423t1, NM_001008844.3, NM_001319034.2).
Identifiers: ClinVar variation 357968 (VCV000357968.6), dbSNP rs145079869, ClinGen allele CA039761.
Genomic context (GRCh38, chr6:7,585,917, plus strand): 5'-CAGTAGTTCTATTGGGCACTAGTAGTCAGTTGGGAGTGGTTGCTATACCTTGACTTCATT[T>C]ATATGAATTTCCACTTTATTAAATAATAGAAAAGAAAATCCCGGTGCTTGCAGTAGAGTG-3'

ClinVar aggregate classification (germline): Benign. Review status: criteria provided, multiple submitters, no conflicts (2 of 4 stars). 4 submissions from 2 submitters: Benign (4). Last evaluated 2018-01-12.

Conditions:
Arrhythmogenic right ventricular dysplasia 8 (ARVD8). Also called: ARRHYTHMOGENIC RIGHT VENTRICULAR DYSPLASIA, FAMILIAL, 8; ARRHYTHMOGENIC RIGHT VENTRICULAR CARDIOMYOPATHY 8; Arrhythmogenic Right Ventricular Dysplasia/Cardiomyopathy 8. Identifiers: MedGen C1843896, MONDO:0011831, OMIM 607450.
Lethal acantholytic epidermolysis bullosa (EBLA). Identifiers: Orphanet 158687, MedGen C1864826, MONDO:0012323, OMIM 609638.
Woolly hair-skin fragility syndrome (WHSF). Identifiers: Orphanet 293165, MedGen C1843292, MONDO:0957307, OMIM 620415.

Allele frequency attached by ClinVar (database versions not stated): gnomAD 0.00128 and 0.00184; gnomAD exomes 0.00151 and 0.00371; TOPMed 0.00226; ExAC 0.00389; 1000 Genomes Project 30x 0.00656; 1000 Genomes Project 0.00679.
gnomAD v4.1: 2,473 of 1,584,950 alleles (0.16%); highest among the groups gnomAD compares: East Asian, 4.7%; 69 homozygotes.

Submissions (4):

Illumina Laboratory Services, Illumina
Classification: Benign for Arrhythmogenic cardiomyopathy with wooly hair and keratoderma. Last evaluated: 2018-01-12. Review status: criteria provided, single submitter. Criteria: ICSL Variant Classification Criteria 13 December 2019. Collection method: clinical testing. Allele origin: germline.
Comment: This variant was observed in the ICSL laboratory as part of a predisposition screen in an ostensibly healthy population. It had not been previously curated by ICSL or reported in the Human Gene Mutation Database (HGMD: prior to June 1st, 2018), and was therefore a candidate for classification through an automated scoring system. Utilizing variant allele frequency, disease prevalence and penetrance estimates, and inheritance mode, an automated score was calculated to assess if this variant is too frequent to cause the disease. Based on the score and internal cut-off values, a variant classified as benign is not then subjected to further curation. The score for this variant resulted in a classification of benign for this disease.

Illumina Laboratory Services, Illumina
Classification: Benign for Arrhythmogenic right ventricular dysplasia 8. Last evaluated: 2018-01-12. Review status: criteria provided, single submitter. Criteria: ICSL Variant Classification Criteria 13 December 2019. Collection method: clinical testing. Allele origin: germline.
Comment: the same text as in the submission from Illumina Laboratory Services, Illumina above.

Illumina Laboratory Services, Illumina
Classification: Benign for Lethal acantholytic epidermolysis bullosa. Last evaluated: 2018-01-12. Review status: criteria provided, single submitter. Criteria: ICSL Variant Classification Criteria 13 December 2019. Collection method: clinical testing. Allele origin: germline.
Comment: the same text as in the submission from Illumina Laboratory Services, Illumina above.

GeneDx
Classification: Benign. Last evaluated: 2015-03-03. Review status: criteria provided, single submitter. Criteria: GeneDx Variant Classification Process June 2021. Collection method: clinical testing. Allele origin: germline. Affected: yes.